The following is an entry in ClinVar:

ClinVar aggregate classification (germline): Likely benign (1 of 4 stars; one submission).

Allele frequency attached by ClinVar (database versions not stated): gnomAD exomes 0.00003; gnomAD 0.00004; ExAC 0.00008; TOPMed 0.00008.
gnomAD v4.1: 54 of 1,613,284 alleles (0.0033%); highest among the groups gnomAD compares: Admixed American, 0.013%; no homozygotes.

Submission:

CeGaT Center for Human Genetics Tuebingen
Classification: Likely benign. Last evaluated: 2022-09-01. Review status: criteria provided, single submitter. Criteria: CeGaT Center For Human Genetics Tuebingen Variant Classification Criteria Version 2. Collection method: clinical testing. Allele origin: germline. Affected: yes. Observed: 1 variant allele.
Comment: DAPK1: BP4, BP7

NM_004938.4(DAPK1):c.3399C>T (p.Pro1133=)

Gene: DAPK1 (death associated protein kinase 1; plus strand). Cytogenetic location: 9q21.33.
Variant type: single nucleotide variant.
Coding change: c.3399C>T on transcript NM_004938.4 (MANE Select); coding-DNA position 3399, C replaced by T.
Protein change: p.Pro1133=; no amino-acid change (proline 1133 retained).
Molecular consequence: synonymous variant.
Genome position (GRCh38, 1-based): chr9:87,706,470, C>T. VCF-style: chr9-87706470-C-T. GRCh37 (hg19) VCF-style: chr9-90321385-C-T.
Other names: c.3399C>T, p.Pro1133= (NM_001288729.2, NM_001288730.2, NM_001288731.2).
Identifiers: ClinVar variation 2659291 (VCV002659291.24), dbSNP rs559897885, ClinGen allele CA5110724.